The following is an entry in ClinVar:

NM_001378615.1(CC2D2A):c.2625+5G>A

Genes: CC2D2A (coiled-coil and C2 domain containing 2A; plus strand), FBXL5 (F-box and leucine rich repeat protein 5; minus strand). Cytogenetic location: 4p15.32.
Variant type: single nucleotide variant.
Coding change: c.2625+5G>A on transcript NM_001378615.1 (MANE Select); 5 bases into the intron after coding-DNA position 2625, G replaced by A.
Molecular consequence: intron variant.
Genome position (GRCh38, 1-based): chr4:15,555,215, G>A. VCF-style: chr4-15555215-G-A. GRCh37 (hg19) VCF-style: chr4-15556838-G-A.
Other names: c.2625+5G>A (NM_001080522.2); c.2478+5G>A (NM_001378617.1).
Identifiers: ClinVar variation 5003915 (VCV005003915.1).

ClinVar aggregate classification (germline): Uncertain significance (1 of 4 stars; one submission).

Conditions:
Joubert syndrome and related disorders. Identifiers: Orphanet 140874, MedGen C5679612, MONDO:0015369.

Submission:

Myriad Genetics, Inc.
Classification: Uncertain significance for Joubert syndrome and related disorders. Last evaluated: 2026-07-27. Review status: criteria provided, single submitter. Criteria: Myriad Autosomal Dominant, Autosomal Recessive and X-Linked Classification Criteria (2023). Collection method: clinical testing. Allele origin: unknown.
Comment: NM_001080522.2(CC2D2A):c.2625+5G>A is an intronic variant classified as a variant of uncertain significance in the context of CC2D2A-related disorders. c.2625+5G>A has been observed in a case with relevant disease (PMID: 36319078). Relevant functional assessments of this variant are not available in the literature. c.2625+5G>A has not been observed in referenced population frequency databases. In summary, there is insufficient evidence to classify NM_001080522.2(CC2D2A):c.2625+5G>A as pathogenic or benign. Please note: this variant was assessed in the context of healthy population screening.

Literature cited by the submitters: PubMed 36319078.